The following is an entry in ClinVar:

ClinVar aggregate classification (germline): Uncertain significance (1 of 4 stars; one submission).

Allele frequency attached by ClinVar (database versions not stated): gnomAD exomes below 0.00001; TOPMed below 0.00001; ExAC 0.00001.
gnomAD v4.1: 8 of 1,614,188 alleles (0.0005%); highest among the groups gnomAD compares: South Asian, 0.0033%; no homozygotes.

Submission:

Labcorp Genetics (formerly Invitae), Labcorp
Classification: Uncertain significance. Last evaluated: 2021-11-13. Review status: criteria provided, single submitter. Criteria: Invitae Variant Classification Sherloc (09022015). Collection method: clinical testing. Allele origin: germline.
Comment: This variant is present in population databases (rs756388323, gnomAD 0.003%). This sequence change replaces arginine, which is basic and polar, with histidine, which is basic and polar, at codon 1630 of the SNRNP200 protein (p.Arg1630His). This variant has not been reported in the literature in individuals affected with SNRNP200-related conditions. In summary, the available evidence is currently insufficient to determine the role of this variant in disease. Therefore, it has been classified as a Variant of Uncertain Significance. Algorithms developed to predict the effect of missense changes on protein structure and function (SIFT, PolyPhen-2, Align-GVGD) all suggest that this variant is likely to be tolerated.

NM_014014.5(SNRNP200):c.4889G>A (p.Arg1630His)

Gene: SNRNP200 (small nuclear ribonucleoprotein U5 subunit 200; minus strand). Cytogenetic location: 2q11.2.
Variant type: single nucleotide variant.
Coding change: c.4889G>A on transcript NM_014014.5 (MANE Select); coding-DNA position 4889, G replaced by A.
Protein change: p.Arg1630His; replaces arginine 1630 with histidine.
Molecular consequence: missense variant.
Genome position (GRCh38, 1-based): chr2:96,283,227, C>T on the plus strand (G>A on the coding strand, the complement: SNRNP200 is on the minus strand). VCF-style: chr2-96283227-C-T. GRCh37 (hg19) VCF-style: chr2-96948965-C-T.
Other names: short protein forms R1630H.
Identifiers: ClinVar variation 1391206 (VCV001391206.6), dbSNP rs756388323, ClinGen allele CA1778115.
Genomic context (GRCh38, chr2:96,283,227, plus strand): 5'-CCTTGCTATGCTCCCCTTCCGTGGCCTGACTTACCTGAGCTGAAGAGCTGCTCCACCAGG[C>T]GTCGCTCCATGGGGCTGAGCCCCTCATGCAGGTAGCCCACCCCATTTAGCAGCGTTTCCT-3'
Protein context (NP_054733.2, residues 1620-1640): LHEGLSPMER[Arg1630His]LVEQLFSSGA